The following is an entry in ClinVar:

ClinVar aggregate classification (germline): Uncertain significance. Review status: criteria provided, multiple submitters, no conflicts (2 of 4 stars). 2 submissions from 2 submitters: Uncertain significance (2). Last evaluated 2025-11-25.

Conditions:
Inborn genetic diseases. Identifiers: MedGen C0950123, MeSH D030342.
Pulmonary fibrosis and/or bone marrow failure, Telomere-related, 3. Also called: PULMONARY FIBROSIS AND/OR BONE MARROW FAILURE SYNDROME, TELOMERE-RELATED, 3. Identifiers: Orphanet 2032, MedGen C4225346, MONDO:0014613, OMIM 616373.
Dyskeratosis congenita, autosomal recessive 5 (DKCB5). Identifiers: MedGen C3554656, MONDO:0014076, OMIM 615190.

Allele frequency attached by ClinVar (database versions not stated): TOPMed below 0.00001.
gnomAD v4.1: 5 of 1,611,974 alleles (0.00031%); highest among the groups gnomAD compares: Admixed American, 0.0033%; 1 homozygote.

Submissions (2):

Labcorp Genetics (formerly Invitae), Labcorp
Classification: Uncertain significance for Dyskeratosis congenita, autosomal recessive 5; Pulmonary fibrosis and/or bone marrow failure, Telomere-related, 3. Last evaluated: 2025-11-25. Review status: criteria provided, single submitter. Criteria: Invitae Variant Classification Sherloc (09022015). Collection method: clinical testing. Allele origin: germline.
Comment: This sequence change replaces alanine, which is neutral and non-polar, with threonine, which is neutral and polar, at codon 417 of the RTEL1 protein (p.Ala417Thr). This variant is present in population databases (no rsID available, gnomAD 0.003%). This variant has not been reported in the literature in individuals affected with RTEL1-related conditions. ClinVar contains an entry for this variant (Variation ID: 2175108). An algorithm developed to predict the effect of missense changes on protein structure and function outputs the following: PolyPhen-2: "Benign". The threonine amino acid residue is found in multiple mammalian species, which suggests that this missense change does not adversely affect protein function. In summary, the available evidence is currently insufficient to determine the role of this variant in disease. Therefore, it has been classified as a Variant of Uncertain Significance.

Ambry Genetics
Classification: Uncertain significance for Inborn genetic diseases. Last evaluated: 2024-11-23. Review status: criteria provided, single submitter. Criteria: Ambry Variant Classification Scheme 2023. Collection method: clinical testing. Allele origin: germline.
Comment: The p.A417T variant (also known as c.1249G>A), located in coding exon 14 of the RTEL1 gene, results from a G to A substitution at nucleotide position 1249. The alanine at codon 417 is replaced by threonine, an amino acid with similar properties. This amino acid position is conserved. In addition, this alteration is predicted to be tolerated by in silico analysis. Based on the available evidence, the clinical significance of this variant remains unclear.

NM_001283009.2(RTEL1):c.1249G>A (p.Ala417Thr)

Genes: RTEL1 (regulator of telomere elongation helicase 1; plus strand), RTEL1-TNFRSF6B (RTEL1-TNFRSF6B readthrough (NMD candidate); plus strand). Cytogenetic location: 20q13.33.
Variant type: single nucleotide variant.
Coding change: c.1249G>A on transcript NM_001283009.2 (MANE Select); coding-DNA position 1249, G replaced by A.
Protein change: p.Ala417Thr; replaces alanine 417 with threonine.
Molecular consequence: missense variant. On other transcripts: non-coding transcript variant (1).
Genome position (GRCh38, 1-based): chr20:63,685,580, G>A. VCF-style: chr20-63685580-G-A. GRCh37 (hg19) VCF-style: chr20-62316933-G-A.
Other names: c.580G>A, p.Ala194Thr (NM_001283010.1); c.1249G>A, p.Ala417Thr (NM_016434.4); c.1321G>A, p.Ala441Thr (NM_032957.5); short protein forms A417T, A441T, A194T.
Identifiers: ClinVar variation 2175108 (VCV002175108.4), dbSNP rs947381427, ClinGen allele CA409675784.